The following is an entry in ClinVar:

ClinVar aggregate classification (germline): Uncertain significance (1 of 4 stars; one submission).

Conditions:
Hereditary cancer-predisposing syndrome. Also called: Neoplastic Syndromes, Hereditary; Tumor predisposition; Hereditary neoplastic syndrome; Hereditary Cancer Syndrome. Identifiers: Orphanet 140162, MedGen C0027672, MeSH D009386, MONDO:0015356.

Submission:

Ambry Genetics
Classification: Uncertain significance for Hereditary cancer-predisposing syndrome. Last evaluated: 2026-07-13. Review status: criteria provided, single submitter. Criteria: Ambry Variant Classification Scheme 2023. Collection method: clinical testing. Allele origin: germline.
Comment: The p.I2336M variant (also known as c.7008A>G), located in coding exon 15 of the APC gene, results from an A to G substitution at nucleotide position 7008. The isoleucine at codon 2336 is replaced by methionine, an amino acid with highly similar properties. This amino acid position is conserved. In addition, in silico predictors for this gene do not accurately predict pathogenicity. Based on the available evidence, the clinical significance of this variant remains unclear.

NM_000038.6(APC):c.7008A>G (p.Ile2336Met)

Gene: APC (APC regulator of Wnt signaling pathway; plus strand). Cytogenetic location: 5q22.2.
Variant type: single nucleotide variant.
Coding change: c.7008A>G on transcript NM_000038.6 (MANE Select); coding-DNA position 7008, A replaced by G.
Protein change: p.Ile2336Met; replaces isoleucine 2336 with methionine.
Molecular consequence: missense variant. On other transcripts: non-coding transcript variant (2).
Genome position (GRCh38, 1-based): chr5:112,842,602, A>G. VCF-style: chr5-112842602-A-G. GRCh37 (hg19) VCF-style: chr5-112178299-A-G.
Other names: c.7062A>G, p.Ile2354Met (NM_001407449.1, NM_001354896.2, NM_001407447.1 and 1 more transcripts); c.7008A>G, p.Ile2336Met (NM_001407450.1, NM_001127510.3, NM_001354895.2); c.6987A>G, p.Ile2329Met (NM_001407451.1); c.6978A>G, p.Ile2326Met (NM_001407452.1); c.6831A>G, p.Ile2277Met (NM_001407453.1, NM_001354901.2); c.6759A>G, p.Ile2253Met (NM_001407454.1, NM_001407455.1, NM_001407456.1 and 1 more transcripts); c.6954A>G, p.Ile2318Met (NM_001127511.3); c.7038A>G, p.Ile2346Met (NM_001354897.2); and 11 more; short protein forms I2245M, I2277M, I2295M, I2326M, I2336M, I2364M, I2253M, I2308M.
Identifiers: ClinVar variation 5024505 (VCV005024505.1).